The following is an entry in ClinVar:

NM_001370259.2(MEN1):c.1477C>T (p.Pro493Ser)

Gene: MEN1 (menin 1; minus strand). Cytogenetic location: 11q13.1.
Variant type: single nucleotide variant.
Coding change: c.1477C>T on transcript NM_001370259.2 (MANE Select); coding-DNA position 1477, C replaced by T.
Protein change: p.Pro493Ser; replaces proline 493 with serine.
Molecular consequence: missense variant.
Genome position (GRCh38, 1-based): chr11:64,804,690, G>A on the plus strand (C>T on the coding strand, the complement: MEN1 is on the minus strand). VCF-style: chr11-64804690-G-A. GRCh37 (hg19) VCF-style: chr11-64572162-G-A.
Other names: c.1492C>T, p.Pro498Ser (NM_000244.4, NM_130800.3, NM_130801.3 and 3 more transcripts); c.1603C>T, p.Pro535Ser (NM_001370251.2); c.1477C>T, p.Pro493Ser (NM_001370260.2, NM_001370261.2, NM_130799.3); c.1372C>T, p.Pro458Ser (NM_001370262.2, NM_001370263.2); short protein forms P458S, P493S, P498S, P535S.
Identifiers: ClinVar variation 1009688 (VCV001009688.12), dbSNP rs1941543089, ClinGen allele CA381179042.

ClinVar aggregate classification (germline): Conflicting classifications of pathogenicity. Review status: criteria provided, conflicting classifications (1 of 4 stars). 3 submissions from 3 submitters: Uncertain significance (2); Benign (1). Last evaluated 2025-04-28.

Conditions:
Multiple endocrine neoplasia, type 1 (MEN1). Also called: MEN I; WERMER SYNDROME; Endocrine adenomatosis multiple; MEN 1; MEA I. Identifiers: Orphanet 652, MedGen C0025267, MeSH D018761, MONDO:0007540, OMIM 131100.
Hereditary cancer-predisposing syndrome. Also called: Tumor predisposition; Hereditary Cancer Syndrome; Neoplastic Syndromes, Hereditary; Hereditary neoplastic syndrome. Identifiers: Orphanet 140162, MedGen C0027672, MeSH D009386, MONDO:0015356.

Allele frequency attached by ClinVar (database versions not stated): gnomAD exomes 0.00001.
gnomAD v4.1: 3 of 1,595,380 alleles (0.00019%); highest among the groups gnomAD compares: Admixed American, 0.0017%; no homozygotes.

Submissions (3):

Labcorp Genetics (formerly Invitae), Labcorp
Classification: Benign for Multiple endocrine neoplasia, type 1. Last evaluated: 2025-04-28. Review status: criteria provided, single submitter. Criteria: Invitae Variant Classification Sherloc (09022015). Collection method: clinical testing. Allele origin: germline.

Ambry Genetics
Classification: Uncertain significance for Hereditary cancer-predisposing syndrome. Last evaluated: 2024-10-29. Review status: criteria provided, single submitter. Criteria: Ambry Variant Classification Scheme 2023. Collection method: clinical testing. Allele origin: germline.
Comment: The p.P493S variant (also known as c.1477C>T), located in coding exon 9 of the MEN1 gene, results from a C to T substitution at nucleotide position 1477. The proline at codon 493 is replaced by serine, an amino acid with similar properties. This amino acid position is conserved. In addition, the in silico prediction for this alteration is inconclusive. Since supporting evidence is limited at this time, the clinical significance of this alteration remains unclear.

All of Us Research Program, National Institutes of Health
Classification: Uncertain significance for Multiple endocrine neoplasia, type 1. Last evaluated: 2023-10-02. Review status: criteria provided, single submitter. Criteria: ACMG Guidelines, 2015. Collection method: clinical testing. Allele origin: germline. Inheritance: Autosomal dominant inheritance. Observed: 2 variant alleles, 2 heterozygotes.
Comment: This missense variant replaces proline with serine at codon 493 of the MEN1 protein. Computational prediction suggests that this variant may not impact protein structure and function (internally defined REVEL score threshold <= 0.5, PMID: 27666373). To our knowledge, functional studies have not been reported for this variant. This variant has not been reported in individuals affected with MEN1-related disorders in the literature. This variant has not been identified in the general population by the Genome Aggregation Database (gnomAD). The available evidence is insufficient to determine the role of this variant in disease conclusively. Therefore, this variant is classified as a Variant of Uncertain Significance.

This study involves interpretation of variants in research participants for the purpose of population health screening. Participant phenotype was not available at the time of variant classification. Additional details can be found in publication PMID: 35346344, PMCID: PMC8962531